The following is an entry in ClinVar:

NM_000051.4(ATM):c.2887A>G (p.Met963Val)

Gene: ATM (ATM serine/threonine kinase; plus strand). Cytogenetic location: 11q22.3.
Variant type: single nucleotide variant.
Coding change: c.2887A>G on transcript NM_000051.4 (MANE Select); coding-DNA position 2887, A replaced by G.
Protein change: p.Met963Val; replaces methionine 963 with valine.
Molecular consequence: missense variant.
Genome position (GRCh38, 1-based): chr11:108,271,112, A>G. VCF-style: chr11-108271112-A-G. GRCh37 (hg19) VCF-style: chr11-108141839-A-G.
Other names: NP_000042.3:p.Met963Val; p.Met963Val; c.2887A>G, p.Met963Val (NM_001351834.2); short protein forms M963V.
Identifiers: ClinVar variation 142966 (VCV000142966.44), dbSNP rs374353016, ClinGen allele CA169888.

ClinVar aggregate classification (germline): Conflicting classifications of pathogenicity. Review status: criteria provided, conflicting classifications (1 of 4 stars). 14 submissions from 14 submitters: Uncertain significance (9); Likely benign (3). 2 of the submissions do not count toward it. Last evaluated 2026-01-31.

Conditions:
ATM-related disorder. Also called: ATM-related disorders; ATM-related condition.
Breast and/or ovarian cancer. Identifiers: MedGen CN221562.
Hereditary cancer-predisposing syndrome. Also called: Tumor predisposition; Neoplastic Syndromes, Hereditary; Hereditary neoplastic syndrome; Hereditary Cancer Syndrome. Identifiers: Orphanet 140162, MedGen C0027672, MeSH D009386, MONDO:0015356.
Hereditary breast ovarian cancer syndrome. Also called: Hereditary breast and ovarian cancer syndrome; Hereditary breast and ovarian cancer; Hereditary breast and ovarian cancer syndrome (HBOC); Hereditary breast and/or ovarian cancer syndrome; BRCA1- and BRCA2-Associated Hereditary Breast and Ovarian Cancer; Breast and ovarian cancer. Identifiers: Orphanet 145, MedGen C0677776, MeSH D061325, MONDO:0003582. Disease mechanism: loss of function.
Familial cancer of breast. Also called: BREAST CANCER, FAMILIAL; Hereditary breast cancer; hereditary breast carcinoma. Identifiers: Orphanet 227535, MedGen C0346153, MONDO:0016419, OMIM 114480. Disease mechanism: loss of function.
Ataxia-telangiectasia syndrome (AT). Also called: Ataxia-telangiectasia, complementation group D; AT, COMPLEMENTATION GROUP C; Cerebello-oculocutaneous telangiectasia; Immunodeficiency with ataxia telangiectasia; ATAXIA-TELANGIECTASIA, COMPLEMENTATION GROUP A; ATAXIA-TELANGIECTASIA, FRESNO VARIANT. Identifiers: Orphanet 100, MedGen C0004135, MONDO:0008840, OMIM 208900.
Malignant tumor of breast. Also called: Malignant breast neoplasm; Cancer breast. Identifiers: MedGen C0006142, MONDO:0007254. Disease mechanism: loss of function.

Allele frequency attached by ClinVar (database versions not stated): gnomAD exomes 0.00002 and 0.00005; ExAC 0.00004; ESP Exome Variant Server 0.00015; gnomAD 0.00015; 1000 Genomes Project 30x 0.00016; TOPMed 0.00017; 1000 Genomes Project 0.00020.
gnomAD v4.1: 52 of 1,614,122 alleles (0.0032%); highest among the groups gnomAD compares: African/African-American, 0.047%; no homozygotes.

Submissions (14):

Labcorp Genetics (formerly Invitae), Labcorp
Classification: Likely benign for Ataxia-telangiectasia syndrome. Last evaluated: 2026-01-31. Review status: criteria provided, single submitter. Criteria: Invitae Variant Classification Sherloc (09022015). Collection method: clinical testing. Allele origin: germline.

PreventionGenetics, part of Exact Sciences
Classification: Uncertain significance for ATM-related condition. Last evaluated: 2025-12-20. Review status: criteria provided, single submitter. Criteria: ACMG Guidelines, 2015. Collection method: clinical testing. Allele origin: germline.
Comment: The ATM c.2887A>G variant is predicted to result in the amino acid substitution p.Met963Val. This variant has been detected in a (The) Cancer Genome Atlas (TCGA) sample (BRCA_A3BB-10A, S9 Table, Yehia et al. 2018. PubMed ID: 29684080). This variant was also reported as uncertain in one individual with breast cancer (patient 1ECJ-a in Table S2, Bishop et al. 2020. PubMed ID: 32866190) and in another large cohort study of patients with advanced cancer (eTable in Supplement 2E, Mandelker et al. 2017. PubMed ID: 28873162). In ClinVar this variant has conflicting interpretations of likely benign and uncertain (Variation ID: 142966). This variant is reported in 0.044% of alleles in individuals of African descent in gnomAD. Although we suspect that this variant may be benign, at this time, the clinical significance of this variant is uncertain due to the absence of conclusive functional and genetic evidence.

GeneDx
Classification: Uncertain significance. Last evaluated: 2025-11-24. Review status: criteria provided, single submitter. Criteria: GeneDx Variant Classification Process June 2021. Collection method: clinical testing. Allele origin: germline. Affected: yes.
Comment: In silico analysis suggests that this missense variant does not alter protein structure/function; This variant is associated with the following publications: (PMID: 19781682, 32866190, 36568162, 32885271, 33309985, 28873162, 29684080, 33471991, 33939675, 36243179, 36315513, 36315919)

Mayo Clinic Laboratories, Mayo Clinic
Classification: Uncertain significance. Last evaluated: 2025-08-06. Review status: criteria provided, single submitter. Criteria: ACMG Guidelines, 2015. Collection method: clinical testing. Allele origin: germline. Observed: 1 variant allele.
Comment: BP4_moderate

KCCC/NGS Laboratory, Kuwait Cancer Control Center
Classification: Uncertain significance for Familial cancer of breast. Last evaluated: 2025-01-06. Review status: criteria provided, single submitter. Criteria: ACMG Guidelines, 2015. Collection method: clinical testing. Allele origin: germline. Inheritance: Autosomal dominant inheritance. Affected: yes. Observed: 1 heterozygote.
Comment: This sequence change replaces methionine with valine at codon 963 of the ATM protein (p.Met963Val) , an amino acid with highly similar properties. This amino acid position is not well conserved . This alteration has been reported in breast cancer cohorts (Dorling et al. N Engl J Med. 2021 02;384:428-439; Lerner-Ellis J et al. J Cancer Res Clin Oncol, 2021 Mar;147:871-879). In silico analysis indicates that this missense variant does not alter protein structure/function; This variant is associated with the following publications: (PMID: 19781682, 32866190, 36568162, 32885271, 33309985, 28873162, 29684080, 33471991, 33939675, 36315513, 36243179) . In summary, based on the above information the clinical significance of this variant cannot be determined with certainty at this time. This variant is classified as a variant of uncertain significance .

Ambry Genetics
Classification: Likely benign for Hereditary cancer-predisposing syndrome. Last evaluated: 2024-12-05. Review status: criteria provided, single submitter. Criteria: Ambry Variant Classification Scheme 2023. Collection method: clinical testing. Allele origin: germline.

Color Diagnostics, LLC DBA Color Health
Classification: Likely benign for Hereditary cancer-predisposing syndrome. Last evaluated: 2024-09-19. Review status: criteria provided, single submitter. Criteria: ACMG Guidelines, 2015. Collection method: clinical testing. Allele origin: germline.

Women's Health and Genetics/Laboratory Corporation of America, LabCorp
Classification: Uncertain significance. Last evaluated: 2023-05-23. Review status: criteria provided, single submitter. Criteria: LabCorp Variant Classification Summary - May 2015. Collection method: clinical testing. Allele origin: germline.
Comment: Variant summary: ATM c.2887A>G (p.Met963Val) results in a conservative amino acid change in the encoded protein sequence. Four of four in-silico tools predict a benign effect of the variant on protein function. The variant allele was found at a frequency of 4e-05 in 298826 control chromosomes. This frequency is not significantly higher than estimated for a pathogenic variant in ATM causing Ataxia-Telangiectasia (4e-05 vs 0.004), allowing no conclusion about variant significance. c.2887A>G has been reported in the literature in individuals affected with different types of cancer, including Breast, Pancreatic and Colorectal Cancers (examples: Mandelker_2017, Yehia_2018, Bishop_2020, Fujita_2020, van der Merwe_2022, Zhu_2021). These report(s) do not provide unequivocal conclusions about association of the variant with Ataxia-Telangiectasia. Co-occurrences with other pathogenic variant(s) have been reported (BRCA2 c.658_659delGT, p.Val220IlefsX4, Yehia_2018), providing supporting evidence for a benign role. To our knowledge, no experimental evidence demonstrating an impact on protein function has been reported. The following publications have been ascertained in the context of this evaluation (PMID: 28873162, 29684080, 33309985, 32866190, 33939675, 36568162). Nine clinical diagnostic laboratories have submitted clinical-significance assessments for this variant to ClinVar after 2014 and classified the variant as VUS (n=7) and likely benign (n=2). Based on the evidence outlined above, the variant was classified as uncertain significance.. Multiple laboratories reported the variant with conflicting assessments. Based on the evidence outlined above, the variant was classified as uncertain significance.

Athena Diagnostics
Classification: Uncertain significance. Last evaluated: 2022-11-04. Review status: criteria provided, single submitter. Criteria: Athena Diagnostics Criteria. Collection method: clinical testing. Allele origin: unknown.
Comment: Available data are insufficient to determine the clinical significance of the variant at this time. The frequency of this variant in the general population is higher than would generally be expected for pathogenic variants in this gene. Computational tools predict that this variant is not damaging.

CHEO Genetics Diagnostic Laboratory, Children's Hospital of Eastern Ontario
Classification: Uncertain significance for Breast and/or ovarian cancer. Last evaluated: 2022-04-29. Review status: criteria provided, single submitter. Criteria: ACMG Guidelines, 2015. Collection method: clinical testing. Allele origin: germline.

National Health Laboratory Service, Universitas Academic Hospital and University of the Free State
Classification: Uncertain significance for Hereditary breast ovarian cancer syndrome. Last evaluated: 2022-04-19. Review status: criteria provided, single submitter. Criteria: ACMG Guidelines, 2015. Collection method: clinical testing. Allele origin: germline. Affected: yes. Observed: 2 variant alleles.

Sema4
Classification: Uncertain significance for Hereditary cancer-predisposing syndrome. Last evaluated: 2021-10-21. Review status: criteria provided, single submitter. Criteria: Sema4 Curation Guidelines. Collection method: curation. Allele origin: germline.
Comment: The ATM c.2887A>G (p.M963V) variant has been reported in heterozygosity in at least four individuals with breast or colorectal cancer (PMID: 28873162, 29684080, 32866190, 33471991, 33309985). This variant was observed in 11/24964 chromosomes in the African population, with no homozygotes, according to the Genome Aggregation Database (PMID: 32461654), and has been reported in ClinVar (Variation ID: 142966). In silico tools suggest the impact of the variant on protein function is benign, though these predictions have not been confirmed by functional studies. Based on the current evidence available, this variant is interpreted as a variant of uncertain significance.

Natera, Inc.
Classification: Uncertain significance for Ataxia-telangiectasia. Last evaluated: 2020-04-17. Review status: no assertion criteria provided. Collection method: clinical testing. Allele origin: germline. Not counted in ClinVar's aggregate classification.

Department of Pathology and Laboratory Medicine, Sinai Health System
Classification: Uncertain significance for Malignant tumor of breast. Review status: no assertion criteria provided. Collection method: clinical testing. Allele origin: unknown. Affected: yes. Study: The Canadian Open Genetics Repository (COGR). Not counted in ClinVar's aggregate classification.
Comment: The ATM p.Met963Val variant was not identified in the literature nor was it identified in the COGR, Cosmic, MutDB, or LOVD 3.0 database. The variant was identified in dbSNP (ID: rs374353016) as "With Uncertain significance allele", and in ClinVar (classified as uncertain significance by Invitae, Ambry Genetics and GeneDx). The variant was identified in control databases in 13 of 277192 chromosomes at a frequency of 0.00005 (Genome Aggregation Database Feb 27, 2017). The variant was observed in the following populations: African in 10 of 24032 chromosomes (freq: 0.0004), Latino in 2 of 34416 chromosomes (freq: 0.00006), European in 1 of 126700 chromosomes (freq: 0.000008); it was not observed in the Other, Ashkenazi Jewish, East Asian, Finnish, and South Asian populations. The p.Met963 residue is conserved in in mammals but not in more distantly related organisms however computational analyses (PolyPhen-2, SIFT, AlignGVGD, BLOSUM, MutationTaster) do not suggest a high likelihood of impact to the protein; this information is not predictive enough to rule out pathogenicity. The variant occurs outside of the splicing consensus sequence and 1 of 4 in silico or computational prediction software programs (SpliceSiteFinder, MaxEntScan, NNSPLICE, GeneSplicer) predict a greater than 10% difference in splicing; this is not very predictive of pathogenicity. In summary, based on the above information the clinical significance of this variant cannot be determined with certainty at this time. This variant is classified as a variant of uncertain significance.

Literature cited by the submitters: PubMed 28873162 (cited by 4 submitters); PubMed 29684080 (cited by 4 submitters); PubMed 32885271 (cited by Ambry Genetics); PubMed 33309985 (cited by 4 submitters); PubMed 33471991 (cited by Ambry Genetics and Sema4); PubMed 32866190 (cited by 3 submitters); PubMed 33939675 (cited by Women's Health and Genetics/Laboratory Corporation of America, LabCorp); PubMed 36568162 (cited by Women's Health and Genetics/Laboratory Corporation of America, LabCorp).